The following is an entry in ClinVar:

ClinVar aggregate classification (germline): Pathogenic (1 of 4 stars; one submission).

Conditions:
Capillary malformation-arteriovenous malformation 1 (CMAVM1). Identifiers: Orphanet 137667, Orphanet 693907, MedGen C4747394, MONDO:0020783, OMIM 608354.

Submission:

MVZ Medizinische Genetik Mainz
Classification: Pathogenic for Capillary malformation-arteriovenous malformation 1. Last evaluated: 2024-07-10. Review status: criteria provided, single submitter. Criteria: UK Practice Guidelines For Variant Classification V4 01 2020. Collection method: clinical testing. Allele origin: germline. Inheritance: Autosomal dominant inheritance. Affected: yes. Observed: 1 variant allele.
Comment: ACMG Criteria: PVS1,PM2_SUP

NM_002890.3(RASA1):c.2485_2487+2del

Genes: CCNH (cyclin H; minus strand), RASA1 (RAS p21 protein activator 1; plus strand). Cytogenetic location: 5q14.3.
Variant type: Deletion.
Coding change: c.2485_2487+2del on transcript NM_002890.3 (MANE Select); coding-DNA position 2485 through the canonical splice donor site of the intron after coding-DNA position 2487, 5 bases deleted (GAGGT; older notation c.2485_2487+2delGAGGT).
Molecular consequence: splice donor variant. On other transcripts: intron variant (1).
Genome position (GRCh38, 1-based): chr5:87,378,536-87,378,540, GAGGT deleted; deleting any 5 consecutive bases within chr5:87,378,534-87,378,540 gives the same sequence; the c. name uses the placement nearest the transcript's 3' end. VCF-style (leftmost placement, unchanged base first): chr5-87378533-TGTGAG-T. GRCh37 (hg19) VCF-style: chr5-86674350-TGTGAG-T.
Other names: c.1954_1956+2del (NM_022650.3); c.933+16506_933+16510del (NM_001364075.2).
Identifiers: ClinVar variation 3256619 (VCV003256619.2).